The following is an entry in ClinVar:

ClinVar aggregate classification (germline): Likely benign. Review status: criteria provided, single submitter (1 of 4 stars). 2 submissions from 2 submitters: Likely benign (1). 1 of the submissions does not count toward it. Last evaluated 2026-01-08.

Conditions:
CIITA-related disorder. Also called: CIITA-related condition.
MHC class II deficiency. Also called: BLS, TYPE II; Bare lymphocyte syndrome 2. Identifiers: Orphanet 572, MedGen C5447452, MONDO:0008855.

Allele frequency attached by ClinVar (database versions not stated): gnomAD 0.00001; ExAC 0.00002; gnomAD exomes 0.00002.

Submissions (2):

Labcorp Genetics (formerly Invitae), Labcorp
Classification: Likely benign for MHC class II deficiency. Last evaluated: 2026-01-08. Review status: criteria provided, single submitter. Criteria: Invitae Variant Classification Sherloc (09022015). Collection method: clinical testing. Allele origin: germline.

PreventionGenetics, part of Exact Sciences
Classification: Likely benign for CIITA-related condition. Last evaluated: 2019-03-06. Review status: no assertion criteria provided. Collection method: clinical testing. Allele origin: germline. Not counted in ClinVar's aggregate classification.
Comment: This variant is classified as likely benign based on ACMG/AMP sequence variant interpretation guidelines (Richards et al. 2015 PMID: 25741868, with internal and published modifications).

NM_000246.4(CIITA):c.2970-7C>T

Gene: CIITA (class II major histocompatibility complex transactivator; plus strand). Cytogenetic location: 16p13.13.
Variant type: single nucleotide variant.
Coding change: c.2970-7C>T on transcript NM_000246.4 (MANE Select); 7 bases into the intron before coding-DNA position 2970, C replaced by T.
Molecular consequence: intron variant.
Genome position (GRCh38, 1-based): chr16:10,916,360, C>T. VCF-style: chr16-10916360-C-T. GRCh37 (hg19) VCF-style: chr16-11010217-C-T.
Other names: c.2973-7C>T (NM_001286402.1, NM_001379332.1); c.2826-7C>T (NM_001379330.1); c.2970-7C>T (NM_001379333.1, NM_000246.3); c.2823-7C>T (NM_001379331.1); c.1218-7C>T (NM_001286403.2); c.2901-7C>T (NM_001379334.1).
Identifiers: ClinVar variation 1110285 (VCV001110285.11), dbSNP rs780711101, ClinGen allele CA7900607.